The following is an entry in ClinVar:

ClinVar aggregate classification (germline): Conflicting classifications of pathogenicity. Review status: criteria provided, conflicting classifications (1 of 4 stars). 3 submissions from 3 submitters: Uncertain significance (1); Likely benign (1). 1 of the submissions does not count toward it. Last evaluated 2024-12-24.

Conditions:
Mucopolysaccharidosis type 7 (MPS7). Also called: BETA-GLUCURONIDASE DEFICIENCY; SLY SYNDROME; GUSB DEFICIENCY; MPS VII. Identifiers: Orphanet 584, MedGen C0085132, MONDO:0009662, OMIM 253220.

Allele frequency attached by ClinVar (database versions not stated): gnomAD 0.00001; TOPMed 0.00002; ExAC 0.00013.
gnomAD v4.1: 42 of 1,609,876 alleles (0.0026%); highest among the groups gnomAD compares: Admixed American, 0.067%; no homozygotes.

Submissions (3):

Labcorp Genetics (formerly Invitae), Labcorp
Classification: Uncertain significance for Mucopolysaccharidosis type 7. Last evaluated: 2024-12-24. Review status: criteria provided, single submitter. Criteria: Invitae Variant Classification Sherloc (09022015). Collection method: clinical testing. Allele origin: germline.
Comment: This sequence change replaces arginine, which is basic and polar, with leucine, which is neutral and non-polar, at codon 57 of the GUSB protein (p.Arg57Leu). This variant is present in population databases (rs769252159, gnomAD 0.1%). This variant has not been reported in the literature in individuals affected with GUSB-related conditions. ClinVar contains an entry for this variant (Variation ID: 558975). Invitae Evidence Modeling of protein sequence and biophysical properties (such as structural, functional, and spatial information, amino acid conservation, physicochemical variation, residue mobility, and thermodynamic stability) indicates that this missense variant is not expected to disrupt GUSB protein function with a negative predictive value of 80%. In summary, the available evidence is currently insufficient to determine the role of this variant in disease. Therefore, it has been classified as a Variant of Uncertain Significance.

3billion
Classification: Likely benign for Mucopolysaccharidosis type 7. Last evaluated: 2024-09-20. Review status: criteria provided, single submitter. Criteria: ACMG Guidelines, 2015. Collection method: clinical testing. Allele origin: germline. Affected: no.
Comment: The homozygous variant was found in patients diagnosed with another variant in a different gene, with no symptoms related to the gene containing the homozygous variant.

Mayo Clinic Laboratories, Mayo Clinic
Classification: Uncertain significance. Last evaluated: 2017-10-26. Review status: no assertion criteria provided. Collection method: clinical testing. Allele origin: unknown. Not counted in ClinVar's aggregate classification.

NM_000181.4(GUSB):c.170G>T (p.Arg57Leu)

Gene: GUSB (glucuronidase beta; minus strand). Cytogenetic location: 7q11.21.
Variant type: single nucleotide variant.
Coding change: c.170G>T on transcript NM_000181.4 (MANE Select); coding-DNA position 170, G replaced by T.
Protein change: p.Arg57Leu; replaces arginine 57 with leucine.
Molecular consequence: missense variant. On other transcripts: 5 prime UTR variant (2), non-coding transcript variant (1).
Genome position (GRCh38, 1-based): chr7:65,982,014, C>A on the plus strand (G>T on the coding strand, the complement: GUSB is on the minus strand). VCF-style: chr7-65982014-C-A. GRCh37 (hg19) VCF-style: chr7-65447001-C-A.
Other names: c.170G>T, p.Arg57Leu (NM_001284290.2); c.-216G>T (NM_001293104.2); c.-160G>T (NM_001293105.2); short protein forms R57L.
Identifiers: ClinVar variation 558975 (VCV000558975.12), dbSNP rs769252159, ClinGen allele CA4276735.